The following is an entry in ClinVar:

ClinVar aggregate classification (germline): Pathogenic (1 of 4 stars; one submission).

Conditions:
Hawkinsinuria. Identifiers: Orphanet 2118, MedGen C2931042, MONDO:0007700, OMIM 140350, HP:0034457.
Tyrosinemia type III. Also called: Tyrosinemia type 3; 4-alpha hydroxyphenylpyruvic acid oxidase deficiency; 4-alpha hydroxyphenylpyruvate dioxygenase deficiency; 4-Hydroxyphenylpyruvate dioxygenase deficiency; 4-HYDROXYPHENYLPYRUVIC ACID OXIDASE DEFICIENCY. Identifiers: Orphanet 69723, MedGen C0268623, MONDO:0010162, OMIM 276710.

Submission:

Labcorp Genetics (formerly Invitae), Labcorp
Classification: Pathogenic for Tyrosinemia type III; Hawkinsinuria. Last evaluated: 2023-05-30. Review status: criteria provided, single submitter. Criteria: Invitae Variant Classification Sherloc (09022015). Collection method: clinical testing. Allele origin: germline.
Comment: This sequence change creates a premature translational stop signal (p.Leu289Ilefs*26) in the HPD gene. It is expected to result in an absent or disrupted protein product. Loss-of-function variants in HPD are known to be pathogenic (PMID: 10942115, 23036342). This variant is not present in population databases (gnomAD no frequency). This variant has not been reported in the literature in individuals affected with HPD-related conditions. For these reasons, this variant has been classified as Pathogenic.

Literature cited by the submitters: PubMed 10942115; PubMed 23036342.

NM_002150.3(HPD):c.865_866del (p.Leu289fs)

Genes: HPD (4-hydroxyphenylpyruvate dioxygenase; minus strand), TIALD (transcript inducer of AURKA lysosomal degradation; plus strand). Cytogenetic location: 12q24.31.
Variant type: Deletion.
Coding change: c.865_866del on transcript NM_002150.3 (MANE Select); coding-DNA positions 865 to 866, 2 bases deleted (TT; older notation c.865_866delTT).
Protein change: p.Leu289fs; shifts the reading frame from leucine 289.
Molecular consequence: frameshift variant.
Genome position (GRCh38, 1-based): chr12:121,843,798-121,843,799, AA deleted on the plus strand (TT on the coding strand, the reverse complement: HPD is on the minus strand). VCF-style (leftmost placement, unchanged base first): chr12-121843797-TAA-T. GRCh37 (hg19) VCF-style: chr12-122281703-TAA-T.
Other names: c.748_749del, p.Leu250fs (NM_001171993.2); short protein forms L289fs, L250fs.
Identifiers: ClinVar variation 2948128 (VCV002948128.3), dbSNP rs2500289881, ClinGen allele CA2740097616.